The following is an entry in ClinVar:

ClinVar aggregate classification (germline): Uncertain significance (1 of 4 stars; one submission).

Conditions:
Inborn genetic diseases. Identifiers: MedGen C0950123, MeSH D030342.

gnomAD v4.1: 1 of 1,613,842 alleles (0.000062%); highest among the groups gnomAD compares: Non-Finnish European, 0.000085%; no homozygotes.

Submission:

Ambry Genetics
Classification: Uncertain significance for Inborn genetic diseases. Last evaluated: 2026-08-22. Review status: criteria provided, single submitter. Criteria: Ambry Variant Classification Scheme 2023. Collection method: clinical testing. Allele origin: germline.
Comment: The p.G760D variant (also known as c.2279G>A), located in coding exon 13 of the FANCM gene, results from a G to A substitution at nucleotide position 2279. The glycine at codon 760 is replaced by aspartic acid, an amino acid with similar properties. This amino acid position is conserved. In addition, this alteration is predicted to be tolerated by in silico analysis. Based on the available evidence, the clinical significance of this variant remains unclear.

NM_020937.4(FANCM):c.2279G>A (p.Gly760Asp)

Gene: FANCM (FA complementation group M; plus strand). Cytogenetic location: 14q21.2.
Variant type: single nucleotide variant.
Coding change: c.2279G>A on transcript NM_020937.4 (MANE Select); coding-DNA position 2279, G replaced by A.
Protein change: p.Gly760Asp; replaces glycine 760 with aspartic acid.
Molecular consequence: missense variant.
Genome position (GRCh38, 1-based): chr14:45,173,173, G>A. VCF-style: chr14-45173173-G-A. GRCh37 (hg19) VCF-style: chr14-45642376-G-A.
Other names: c.2201G>A, p.Gly734Asp (NM_001308133.2); short protein forms G760D, G734D.
Identifiers: ClinVar variation 5021513 (VCV005021513.1).
Genomic context (GRCh38, chr14:45,173,173, plus strand): 5'-AAGATCATCCTTTGCCTACACATCAAGTTGATCACTCAGATCGATGCCGCCATTTTATAG[G>A]CCTTATGCAAATGATAGAGGGAATGAGACACGAAGAGGTGGGGTTTTATTGTAACTTTCT-3'
Protein context (NP_065988.1, residues 750-770): DHSDRCRHFI[Gly760Asp]LMQMIEGMRH